The following is an entry in ClinVar:

NM_001384732.1(CPLANE1):c.474G>A (p.Ala158=)

Gene: CPLANE1 (ciliogenesis and planar polarity effector complex subunit 1; minus strand). Cytogenetic location: 5p13.2.
Variant type: single nucleotide variant.
Coding change: c.474G>A on transcript NM_001384732.1 (MANE Select); coding-DNA position 474, G replaced by A.
Protein change: p.Ala158=; no amino-acid change (alanine 158 retained).
Molecular consequence: synonymous variant.
Genome position (GRCh38, 1-based): chr5:37,244,471, C>T on the plus strand (G>A on the coding strand, the complement: CPLANE1 is on the minus strand). VCF-style: chr5-37244471-C-T. GRCh37 (hg19) VCF-style: chr5-37244573-C-T.
Other names: c.474G>A, p.Ala158= (NM_023073.4).
Identifiers: ClinVar variation 1297551 (VCV001297551.7), dbSNP rs977870859, ClinGen allele CA117068832.

ClinVar aggregate classification (germline): Uncertain significance. Review status: criteria provided, multiple submitters, no conflicts (2 of 4 stars). 5 submissions from 5 submitters: Uncertain significance (3). 2 of the submissions do not count toward it. Last evaluated 2025-05-14.

Conditions:
Autoimmune interstitial lung disease-arthritis syndrome. Also called: Autoinflammation and autoimmunity, systemic, with immune dysregulation. Identifiers: Orphanet 444092, MedGen C5975714, MONDO:0014629.

Allele frequency attached by ClinVar (database versions not stated): gnomAD 0.00001; gnomAD exomes 0.00001 and 0.00003; TOPMed 0.00001.
gnomAD v4.1: 38 of 1,551,714 alleles (0.0024%); highest among the groups gnomAD compares: Non-Finnish European, 0.003%; no homozygotes.

Submissions (5):

Johns Hopkins Genomics, Johns Hopkins University
Classification: Uncertain significance for Autoinflammation and autoimmunity with immune dysregulation 1. Last evaluated: 2025-05-14. Review status: criteria provided, single submitter. Criteria: ACMG Guidelines, 2015. Collection method: clinical testing. Allele origin: germline.
Comment: This CPLANE1 variant (rs977870859) is rare (<0.1%) in a large population dataset (gnomAD: 38/1551714 total alleles; 0.0024%; no homozygotes) and has been reported in ClinVar (Variation ID: 1297551). It has not been reported in the literature, to our knowledge. Bioinformatic analysis predicts that this synonymous variant would create a cryptic splice acceptor site and affect normal exon 5 splicing, although this has not been confirmed experimentally to our knowledge. We consider the clinical significance of CPLANE1 c.474G>A to be uncertain at this time.

Labcorp Genetics (formerly Invitae), Labcorp
Classification: Uncertain significance. Last evaluated: 2024-09-03. Review status: criteria provided, single submitter. Criteria: Invitae Variant Classification Sherloc (09022015). Collection method: clinical testing. Allele origin: germline.
Comment: This sequence change affects codon 158 of the CPLANE1 mRNA. It is a 'silent' change, meaning that it does not change the encoded amino acid sequence of the CPLANE1 protein. This variant is present in population databases (no rsID available, gnomAD 0.006%). This variant has not been reported in the literature in individuals affected with CPLANE1-related conditions. ClinVar contains an entry for this variant (Variation ID: 1297551). Algorithms developed to predict the effect of sequence changes on RNA splicing suggest that this variant may disrupt the consensus splice site. In summary, the available evidence is currently insufficient to determine the role of this variant in disease. Therefore, it has been classified as a Variant of Uncertain Significance.

Blueprint Genetics
Classification: Uncertain significance. Last evaluated: 2024-04-12. Review status: criteria provided, single submitter. Criteria: ACMG Guidelines, 2015. Collection method: clinical testing. Allele origin: germline.

Clinical Genetics DNA and cytogenetics Diagnostics Lab, Erasmus MC, Erasmus Medical Center
Classification: Uncertain significance. Review status: no assertion criteria provided. Collection method: clinical testing. Allele origin: germline. Affected: yes. Study: VKGL Data-share Consensus. Not counted in ClinVar's aggregate classification.

Joint Genome Diagnostic Labs from Nijmegen and Maastricht, Radboudumc and MUMC+
Classification: Uncertain significance. Review status: no assertion criteria provided. Collection method: clinical testing. Allele origin: germline. Affected: yes. Study: VKGL Data-share Consensus. Not counted in ClinVar's aggregate classification.